The following is an entry in ClinVar:

ClinVar aggregate classification (germline): Conflicting classifications of pathogenicity. Review status: criteria provided, conflicting classifications (1 of 4 stars). 2 submissions from 2 submitters: Uncertain significance (1); Likely benign (1). Last evaluated 2026-01-21.

Conditions:
Cardiovascular phenotype. Identifiers: MedGen CN230736.
Arrhythmogenic cardiomyopathy with wooly hair and keratoderma. Also called: Arrhythmogenic cardiomyopathy with woolly hair and keratoderma; PALMOPLANTAR KERATODERMA WITH LEFT VENTRICULAR CARDIOMYOPATHY AND WOOLLY HAIR; Carvajal syndrome; Dilated cardiomyopathy with woolly hair and keratoderma. Identifiers: Orphanet 65282, MedGen C1854063, MONDO:0011581, OMIM 605676.
Arrhythmogenic right ventricular dysplasia 8 (ARVD8). Also called: Arrhythmogenic Right Ventricular Dysplasia/Cardiomyopathy 8; ARRHYTHMOGENIC RIGHT VENTRICULAR DYSPLASIA, FAMILIAL, 8; ARRHYTHMOGENIC RIGHT VENTRICULAR CARDIOMYOPATHY 8. Identifiers: MedGen C1843896, MONDO:0011831, OMIM 607450.

Submissions (2):

Ambry Genetics
Classification: Likely benign for Cardiovascular phenotype. Last evaluated: 2026-01-21. Review status: criteria provided, single submitter. Criteria: Ambry Variant Classification Scheme 2023. Collection method: clinical testing. Allele origin: germline.

Labcorp Genetics (formerly Invitae), Labcorp
Classification: Uncertain significance for Arrhythmogenic cardiomyopathy with wooly hair and keratoderma; Arrhythmogenic right ventricular dysplasia 8. Last evaluated: 2022-02-04. Review status: criteria provided, single submitter. Criteria: Invitae Variant Classification Sherloc (09022015). Collection method: clinical testing. Allele origin: germline.
Comment: In summary, the available evidence is currently insufficient to determine the role of this variant in disease. Therefore, it has been classified as a Variant of Uncertain Significance. Algorithms developed to predict the effect of missense changes on protein structure and function output the following: SIFT: "Tolerated"; PolyPhen-2: "Benign"; Align-GVGD: "Class C0". The isoleucine amino acid residue is found in multiple mammalian species, which suggests that this missense change does not adversely affect protein function. This variant has not been reported in the literature in individuals affected with DSP-related conditions. This variant is not present in population databases (gnomAD no frequency). This sequence change replaces methionine, which is neutral and non-polar, with isoleucine, which is neutral and non-polar, at codon 1299 of the DSP protein (p.Met1299Ile).

NM_004415.4(DSP):c.3897G>C (p.Met1299Ile)

Gene: DSP (desmoplakin; plus strand). Cytogenetic location: 6p24.3.
Variant type: single nucleotide variant.
Coding change: c.3897G>C on transcript NM_004415.4 (MANE Select); coding-DNA position 3897, G replaced by C.
Protein change: p.Met1299Ile; replaces methionine 1299 with isoleucine.
Molecular consequence: missense variant. On other transcripts: intron variant (1).
Genome position (GRCh38, 1-based): chr6:7,580,087, G>C. VCF-style: chr6-7580087-G-C. GRCh37 (hg19) VCF-style: chr6-7580320-G-C.
Other names: c.3897G>C, p.Met1299Ile (NM_001319034.2); c.3582+315G>C (NM_001008844.3); c.3897G>C (NM_004415.2); short protein forms M1299I.
Identifiers: ClinVar variation 1410800 (VCV001410800.9), dbSNP rs2113692906, ClinGen allele CA362685095.
Genomic context (GRCh38, chr6:7,580,087, plus strand): 5'-CTGTGGCTCTGAGATAATGCAGAAGAAGCAGCATCTGGAGATAGAACTGAAGCAGGTCAT[G>C]CAGCAGCGCTCTGAGGACAATGCCCGGCACAAGCAGTCCCTGGAGGAGGCTGCCAAGACC-3'
Protein context (NP_004406.2, residues 1289-1309): QHLEIELKQV[Met1299Ile]QQRSEDNARH